The following is an entry in ClinVar:

ClinVar aggregate classification (germline): Uncertain significance (1 of 4 stars; one submission).

Submission:

Women's Health and Genetics/Laboratory Corporation of America, LabCorp
Classification: Uncertain significance. Last evaluated: 2023-12-29. Review status: criteria provided, single submitter. Criteria: LabCorp Variant Classification Summary - May 2015. Collection method: clinical testing. Allele origin: germline.
Comment: Variant summary: The variant involves the duplication of exons 1-11 in the SLC17A5 gene. This duplication includes the entire coding sequence of the gene. As exact breakpoints are unknown, it may extend beyond the annotated region of the gene, to include other flanking genes. A presumed nomenclature of c.(?_-107)_(*1699_?)dup has been designated for the purposes of this classification. The variant was absent in 21694 control chromosomes (gnomAD structural variants dataset). The available data on variant occurrences in the general population are insufficient to allow any conclusion about variant significance. To our knowledge, no occurrence of c.(?_-107)_(*1699_?)dup in individuals affected with Salla Disease and no experimental evidence demonstrating its impact on protein function have been reported. One submitter has cited clinical-significance assessments for a similar variant to ClinVar after 2014 and has classified the variant as uncertain significance. Based on the evidence outlined above, the variant was classified as uncertain significance.

NC_000006.11:g.(?_74303101)_(74363716_?)dup

Gene: SLC17A5 (solute carrier family 17 member 5; minus strand). Cytogenetic location: 6q13.
Variant type: Duplication.
Identifiers: ClinVar variation 2691449 (VCV002691449.1).